The following is an entry in ClinVar:

NM_001040142.2(SCN2A):c.2960G>A (p.Ser987Asn)

Gene: SCN2A (sodium voltage-gated channel alpha subunit 2; plus strand). Cytogenetic location: 2q24.3.
Variant type: single nucleotide variant.
Coding change: c.2960G>A on transcript NM_001040142.2 (MANE Select); coding-DNA position 2960, G replaced by A.
Protein change: p.Ser987Asn; replaces serine 987 with asparagine.
Molecular consequence: missense variant.
Genome position (GRCh38, 1-based): chr2:165,354,232, G>A. VCF-style: chr2-165354232-G-A. GRCh37 (hg19) VCF-style: chr2-166210742-G-A.
Other names: c.2960G>A, p.Ser987Asn (NM_001040143.2, NM_001371246.1, NM_001371247.1 and 1 more transcripts); short protein forms S987N.
Identifiers: ClinVar variation 1203296 (VCV001203296.5), dbSNP rs796053124, ClinGen allele CA349019483.

ClinVar aggregate classification (germline): Likely pathogenic (1 of 4 stars; one submission).

Conditions:
SCN2A-related disorder. Also called: SCN2A-related condition; SCN2A-related disorders. Identifiers: MedGen CN382226, MONDO:1060245.

Submission:

GeneDx
Classification: Likely pathogenic. Last evaluated: 2019-07-30. Review status: criteria provided, single submitter. Criteria: GeneDx Variant Classification Process June 2021. Collection method: clinical testing. Allele origin: germline. Affected: yes.
Comment: Not observed in large population cohorts (Lek et al., 2016); The majority of missense variants in this gene are considered pathogenic (Stenson et al., 2014); In silico analysis, which includes protein predictors and evolutionary conservation, supports a deleterious effect; This substitution is predicted to be within the cytoplasmic loop between the second and third homologous domains; Has not been previously published as pathogenic or benign to our knowledge